The following is an entry in ClinVar:

NM_001256715.2(DNAAF3):c.85+2T>G

Genes: DNAAF3 (dynein axonemal assembly factor 3; minus strand), DNAAF3-AS1 (DNAAF3 antisense RNA 1; plus strand). Cytogenetic location: 19q13.42.
Variant type: single nucleotide variant.
Coding change: c.85+2T>G on transcript NM_001256715.2 (MANE Select); the canonical splice donor site of the intron after coding-DNA position 85, T replaced by G.
Molecular consequence: splice donor variant.
Genome position (GRCh38, 1-based): chr19:55,166,327, A>C on the plus strand (T>G on the coding strand, the complement: DNAAF3 is on the minus strand). VCF-style: chr19-55166327-A-C. GRCh37 (hg19) VCF-style: chr19-55677695-A-C.
Other names: c.226+2T>G (NM_178837.4, NM_001256714.1); c.-154+2T>G (NM_001256716.2).
Identifiers: ClinVar variation 2170827 (VCV002170827.4), dbSNP rs1263006158, ClinGen allele CA407462947.

ClinVar aggregate classification (germline): Pathogenic (1 of 4 stars; one submission).

Conditions:
Primary ciliary dyskinesia. Also called: Ciliary dyskinesia. Identifiers: Orphanet 244, MedGen C0008780, MONDO:0016575, HP:0012265.

Allele frequency attached by ClinVar (database versions not stated): gnomAD 0.00001; TOPMed 0.00001.

Submission:

Labcorp Genetics (formerly Invitae), Labcorp
Classification: Pathogenic for Primary ciliary dyskinesia. Last evaluated: 2023-07-21. Review status: criteria provided, single submitter. Criteria: Invitae Variant Classification Sherloc (09022015). Collection method: clinical testing. Allele origin: germline.
Comment: Disruption of this splice site has been observed in individuals with primary ciliary dyskinesia (Invitae). For these reasons, this variant has been classified as Pathogenic. Algorithms developed to predict the effect of sequence changes on RNA splicing suggest that this variant may disrupt the consensus splice site. ClinVar contains an entry for this variant (Variation ID: 2170827). This variant is not present in population databases (gnomAD no frequency). This sequence change affects a donor splice site in intron 2 of the DNAAF3 gene. It is expected to disrupt RNA splicing. Variants that disrupt the donor or acceptor splice site typically lead to a loss of protein function (PMID: 16199547), and loss-of-function variants in DNAAF3 are known to be pathogenic (PMID: 22387996).

Literature cited by the submitters: PubMed 16199547; PubMed 22387996.